The following is an entry in ClinVar:

NM_015346.4(ZFYVE26):c.227C>A (p.Ala76Asp)

Gene: ZFYVE26 (zinc finger FYVE-type containing 26; minus strand). Cytogenetic location: 14q24.1.
Variant type: single nucleotide variant.
Coding change: c.227C>A on transcript NM_015346.4 (MANE Select); coding-DNA position 227, C replaced by A.
Protein change: p.Ala76Asp; replaces alanine 76 with aspartic acid.
Molecular consequence: missense variant.
Genome position (GRCh38, 1-based): chr14:67,814,032, G>T on the plus strand (C>A on the coding strand, the complement: ZFYVE26 is on the minus strand). VCF-style: chr14-67814032-G-T. GRCh37 (hg19) VCF-style: chr14-68280749-G-T.
Other names: short protein forms A76D.
Identifiers: ClinVar variation 1344186 (VCV001344186.5), dbSNP rs770415843, ClinGen allele CA7240857.

ClinVar aggregate classification (germline): Uncertain significance. Review status: criteria provided, multiple submitters, no conflicts (2 of 4 stars). 2 submissions from 2 submitters: Uncertain significance (2). Last evaluated 2021-09-02.

Conditions:
Spastic paraplegia. Identifiers: MedGen C0037772, HP:0001258.
Hereditary spastic paraplegia. Also called: Familial spastic paraparesis. Identifiers: Orphanet 685, MedGen C0037773, MONDO:0019064. Disease mechanism: loss of function.

Allele frequency attached by ClinVar (database versions not stated): gnomAD exomes below 0.00001 and 0.00002; TOPMed below 0.00001; ExAC 0.00001.
gnomAD v4.1: 25 of 1,613,958 alleles (0.0015%); highest among the groups gnomAD compares: Non-Finnish European, 0.0019%; no homozygotes.

Submissions (2):

Labcorp Genetics (formerly Invitae), Labcorp
Classification: Uncertain significance for Spastic paraplegia. Last evaluated: 2021-09-02. Review status: criteria provided, single submitter. Criteria: Invitae Variant Classification Sherloc (09022015). Collection method: clinical testing. Allele origin: germline.
Comment: This sequence change replaces alanine with aspartic acid at codon 76 of the ZFYVE26 protein (p.Ala76Asp). The alanine residue is moderately conserved and there is a moderate physicochemical difference between alanine and aspartic acid. This variant is present in population databases (rs770415843, ExAC 0.002%). This variant has not been reported in the literature in individuals affected with ZFYVE26-related conditions. Algorithms developed to predict the effect of missense changes on protein structure and function are either unavailable or do not agree on the potential impact of this missense change (SIFT: "Deleterious"; PolyPhen-2: "Probably Damaging"; Align-GVGD: "Class C0"). In summary, the available evidence is currently insufficient to determine the role of this variant in disease. Therefore, it has been classified as a Variant of Uncertain Significance.

Genome Diagnostics Laboratory, The Hospital for Sick Children
Classification: Uncertain significance for Hereditary spastic paraplegia. Last evaluated: 2020-11-25. Review status: criteria provided, single submitter. Criteria: ACMG Guidelines, 2015. Collection method: clinical testing. Allele origin: germline. Affected: yes.